The following is an entry in ClinVar:

ClinVar aggregate classification (germline): Likely benign. Review status: criteria provided, single submitter (1 of 4 stars). 2 submissions from 2 submitters: Likely benign (1). 1 of the submissions does not count toward it. Last evaluated 2025-06-12.

Conditions:
Autosomal recessive nonsyndromic hearing loss 66 (DFNB66). Also called: Deafness, autosomal recessive 66. Identifiers: Orphanet 90636, MedGen C1857750, MONDO:0012442, OMIM 610212.
Isolated neonatal sclerosing cholangitis (NSC). Also called: Sclerosing cholangitis, neonatal. Identifiers: Orphanet 480556, MedGen C4479344, MONDO:0018816, OMIM 617394.
DCDC2-related disorder. Also called: DCDC2-related condition.

Submissions (2):

Labcorp Genetics (formerly Invitae), Labcorp
Classification: Likely benign for Autosomal recessive nonsyndromic hearing loss 66; Isolated neonatal sclerosing cholangitis. Last evaluated: 2025-06-12. Review status: criteria provided, single submitter. Criteria: Invitae Variant Classification Sherloc (09022015). Collection method: clinical testing. Allele origin: germline.

PreventionGenetics, part of Exact Sciences
Classification: Likely benign for DCDC2-related condition. Last evaluated: 2022-07-26. Review status: no assertion criteria provided. Collection method: clinical testing. Allele origin: germline. Not counted in ClinVar's aggregate classification.
Comment: This variant is classified as likely benign based on ACMG/AMP sequence variant interpretation guidelines (Richards et al. 2015 PMID: 25741868, with internal and published modifications).

NM_016356.5(DCDC2):c.923-12_923-9del

Gene: DCDC2 (doublecortin domain containing 2; minus strand). Cytogenetic location: 6p22.3.
Variant type: Deletion.
Coding change: c.923-12_923-9del on transcript NM_016356.5 (MANE Select); 12 bases into the intron before coding-DNA position 923 through 9 bases into the intron before coding-DNA position 923, 4 bases deleted (TTGT; older notation c.923-12_923-9delTTGT).
Molecular consequence: intron variant.
Genome position (GRCh38, 1-based): chr6:24,205,111-24,205,114, ACAA deleted on the plus strand (TTGT on the coding strand, the reverse complement: DCDC2 is on the minus strand); deleting any 4 consecutive bases within chr6:24,205,111-24,205,117 gives the same sequence; the c. name uses the placement nearest the transcript's 3' end. VCF-style (leftmost placement, unchanged base first): chr6-24205110-GACAA-G. GRCh37 (hg19) VCF-style: chr6-24205338-GACAA-G.
Other names: c.923-12_923-9del (NM_001195610.2); c.923-12_923-9delTTGT (NM_016356.4).
Identifiers: ClinVar variation 2200102 (VCV002200102.6), dbSNP rs761540134, ClinGen allele CA3654561.